The following is an entry in ClinVar:

ClinVar aggregate classification (germline): Pathogenic (1 of 4 stars; one submission).

Submission:

Labcorp Genetics (formerly Invitae), Labcorp
Classification: Pathogenic. Last evaluated: 2022-12-06. Review status: criteria provided, single submitter. Criteria: Invitae Variant Classification Sherloc (09022015). Collection method: clinical testing. Allele origin: germline.
Comment: This variant is a gross deletion of the genomic region encompassing exon(s) 3-5 of the OPHN1 gene. This deletion is out-of-frame, and is expected to create a premature termination codon and result in an absent or disrupted protein product. Loss-of-function variants in OPHN1 are known to be pathogenic (PMID: 12807966). This variant has not been reported in the literature in individuals affected with OPHN1-related conditions. For these reasons, this variant has been classified as Pathogenic.

Literature cited by the submitters: PubMed 12807966.

NC_000023.10:g.(?_67494560)_(67518958_?)del

Gene: OPHN1 (oligophrenin 1; minus strand). Cytogenetic location: Xq12.
Variant type: Deletion.
Identifiers: ClinVar variation 2424481 (VCV002424481.4).